The following is an entry in ClinVar:

ClinVar aggregate classification (germline): Uncertain significance. Review status: criteria provided, multiple submitters, no conflicts (2 of 4 stars). 2 submissions from 2 submitters: Uncertain significance (2). Last evaluated 2025-01-30.

Conditions:
Inborn genetic diseases. Identifiers: MedGen C0950123, MeSH D030342.

Allele frequency attached by ClinVar (database versions not stated): gnomAD exomes below 0.00001.

Submissions (2):

Ambry Genetics
Classification: Uncertain significance for Inborn genetic diseases. Last evaluated: 2025-01-30. Review status: criteria provided, single submitter. Criteria: Ambry Variant Classification Scheme 2023. Collection method: clinical testing. Allele origin: germline.
Comment: The p.K1069T variant (also known as c.3206A>C), located in coding exon 1 of the SAMD9L gene, results from an A to C substitution at nucleotide position 3206. The lysine at codon 1069 is replaced by threonine, an amino acid with similar properties. This amino acid position is conserved. In addition, this alteration is predicted to be tolerated by in silico analysis. Based on the available evidence, the clinical significance of this variant remains unclear.

GeneDx
Classification: Uncertain significance. Last evaluated: 2020-12-15. Review status: criteria provided, single submitter. Criteria: GeneDx Variant Classification Process June 2021. Collection method: clinical testing. Allele origin: germline. Affected: yes.
Comment: Not observed in large population cohorts (Lek 2016); In silico analysis supports that this missense variant has a deleterious effect on protein structure/function; Has not been previously published as pathogenic or benign to our knowledge

NM_152703.5(SAMD9L):c.3206A>C (p.Lys1069Thr)

Gene: SAMD9L (sterile alpha motif domain containing 9 like; minus strand). Cytogenetic location: 7q21.2.
Variant type: single nucleotide variant.
Coding change: c.3206A>C on transcript NM_152703.5 (MANE Select); coding-DNA position 3206, A replaced by C.
Protein change: p.Lys1069Thr; replaces lysine 1069 with threonine.
Molecular consequence: missense variant.
Genome position (GRCh38, 1-based): chr7:93,132,766, T>G on the plus strand (A>C on the coding strand, the complement: SAMD9L is on the minus strand). VCF-style: chr7-93132766-T-G. GRCh37 (hg19) VCF-style: chr7-92762079-T-G.
Other names: c.3206A>C, p.Lys1069Thr (NM_001303496.3, NM_001303497.3, NM_001303498.3 and 5 more transcripts); c.3206A>C (NM_152703.2); short protein forms K1069T.
Identifiers: ClinVar variation 1317471 (VCV001317471.3), dbSNP rs2116481537, ClinGen allele CA368184231.